The following is an entry in ClinVar:

NM_001374736.1(DST):c.14461A>C (p.Asn4821His)

Gene: DST (dystonin; minus strand). Cytogenetic location: 6p12.1.
Variant type: single nucleotide variant.
Coding change: c.14461A>C on transcript NM_001374736.1 (MANE Select); coding-DNA position 14461, A replaced by C.
Protein change: p.Asn4821His; replaces asparagine 4821 with histidine.
Molecular consequence: missense variant.
Genome position (GRCh38, 1-based): chr6:56,557,498, T>G on the plus strand (A>C on the coding strand, the complement: DST is on the minus strand). VCF-style: chr6-56557498-T-G. GRCh37 (hg19) VCF-style: chr6-56422296-T-G.
Other names: p.Asn2198His; c.8104A>C, p.Asn2702His (NM_001144769.5); c.7690A>C, p.Asn2564His (NM_001144770.2); c.14461A>C, p.Asn4821His (NM_001374722.1); c.13828A>C, p.Asn4610His (NM_001374729.1); c.7570A>C, p.Asn2524His (NM_001374730.1, NM_001386100.1, NM_183380.4); c.14488A>C, p.Asn4830His (NM_001374734.1); c.6592A>C, p.Asn2198His (NM_015548.5); short protein forms N4610H, N2702H, N2198H, N2564H, N4821H, N2524H, N4830H.
Identifiers: ClinVar variation 798645 (VCV000798645.31), dbSNP rs139089184, ClinGen allele CA3868003.

ClinVar aggregate classification (germline): Benign/Likely benign. Review status: criteria provided, multiple submitters, no conflicts (2 of 4 stars). 7 submissions from 7 submitters: Benign (2); Likely benign (5). Last evaluated 2026-02-02.

Conditions:
Inborn genetic diseases. Identifiers: MedGen C0950123, MeSH D030342.
DST-related disorder. Also called: DST-related condition; DST-related disorders.
Hereditary sensory and autonomic neuropathy type 6. Also called: HSAN VI; Neuropathy, hereditary sensory and autonomic, type VI. Identifiers: Orphanet 314381, MedGen C3539003, MONDO:0013839, OMIM 614653.
Epidermolysis bullosa simplex 3, localized or generalized intermediate, with BP230 deficiency (EBS3). Also called: Epidermolysis bullosa simplex, autosomal recessive 2; Epidermolysis bullosa simplex due to BP230 deficiency. Identifiers: Orphanet 412181, MedGen C3809470, MONDO:0014180, OMIM 615425.

Allele frequency attached by ClinVar (database versions not stated): gnomAD exomes 0.00063 and 0.00022; gnomAD 0.00260 and 0.00245; ExAC 0.00093; TOPMed 0.00275; 1000 Genomes Project 30x 0.00328; ESP Exome Variant Server 0.00323; 1000 Genomes Project 0.00339.
gnomAD v4.1: 722 of 1,612,202 alleles (0.045%); highest among the groups gnomAD compares: African/African-American, 0.86%; 2 homozygotes.

Submissions (7):

Labcorp Genetics (formerly Invitae), Labcorp
Classification: Benign for Epidermolysis bullosa simplex 3, localized or generalized intermediate, with BP230 deficiency; Hereditary sensory and autonomic neuropathy type 6. Last evaluated: 2026-02-02. Review status: criteria provided, single submitter. Criteria: Invitae Variant Classification Sherloc (09022015). Collection method: clinical testing. Allele origin: germline.

Mayo Clinic Laboratories, Mayo Clinic
Classification: Likely benign. Last evaluated: 2025-07-23. Review status: criteria provided, single submitter. Criteria: ACMG Guidelines, 2015. Collection method: clinical testing. Allele origin: germline. Observed: 5 variant alleles.
Comment: BS1, BP4

CeGaT Center for Human Genetics Tuebingen
Classification: Likely benign. Last evaluated: 2025-05-01. Review status: criteria provided, single submitter. Criteria: CeGaT Center For Human Genetics Tuebingen Variant Classification Criteria Version 2. Collection method: clinical testing. Allele origin: germline. Affected: yes. Observed: 2 variant alleles.
Comment: DST: BP4, BS2

PreventionGenetics, part of Exact Sciences
Classification: Benign for DST-related condition. Last evaluated: 2025-03-12. Review status: criteria provided, single submitter. Criteria: ACMG Guidelines, 2015. Collection method: clinical testing. Allele origin: germline.
Comment: This variant is classified as benign based on ACMG/AMP sequence variant interpretation guidelines (Richards et al. 2015 PMID: 25741868, with internal and published modifications).

Blueprint Genetics
Classification: Likely benign. Last evaluated: 2024-10-07. Review status: criteria provided, single submitter. Criteria: ACMG Guidelines, 2015. Collection method: clinical testing. Allele origin: germline.

Fulgent Genetics
Classification: Likely benign for Hereditary sensory and autonomic neuropathy type 6; Epidermolysis bullosa simplex 3, localized or generalized intermediate, with BP230 deficiency. Last evaluated: 2022-02-10. Review status: criteria provided, single submitter. Criteria: ACMG Guidelines, 2015. Collection method: clinical testing. Allele origin: unknown.

Ambry Genetics
Classification: Likely benign for Inborn genetic diseases. Last evaluated: 2019-09-28. Review status: criteria provided, single submitter. Criteria: Ambry Variant Classification Scheme 2023. Collection method: clinical testing. Allele origin: germline.